The following is an entry in ClinVar:

ClinVar aggregate classification (germline): Pathogenic (1 of 4 stars; one submission).

Conditions:
Thrombophilia due to protein S deficiency, autosomal recessive (THPH6). Identifiers: Orphanet 743, MedGen C3281092, MONDO:0013791, OMIM 614514. Disease mechanism: loss of function.

Submission:

Labcorp Genetics (formerly Invitae), Labcorp
Classification: Pathogenic for Thrombophilia due to protein S deficiency, autosomal recessive. Last evaluated: 2024-10-23. Review status: criteria provided, single submitter. Criteria: Invitae Variant Classification Sherloc (09022015). Collection method: clinical testing. Allele origin: germline.
Comment: This sequence change creates a premature translational stop signal (p.Thr78Asnfs*28) in the PROS1 gene. It is expected to result in an absent or disrupted protein product. Loss-of-function variants in PROS1 are known to be pathogenic (PMID: 9241758). This variant is not present in population databases (gnomAD no frequency). This variant has not been reported in the literature in individuals affected with PROS1-related conditions. For these reasons, this variant has been classified as Pathogenic.

Literature cited by the submitters: PubMed 9241758.

NM_000313.4(PROS1):c.232dup (p.Thr78fs)

Gene: PROS1 (protein S; minus strand). Cytogenetic location: 3q11.1.
Variant type: Duplication.
Coding change: c.232dup on transcript NM_000313.4 (MANE Select); coding-DNA position 232, one base duplicated (A; older notation c.232dupA).
Protein change: p.Thr78fs; shifts the reading frame from threonine 78.
Molecular consequence: frameshift variant.
Genome position (GRCh38, 1-based): chr3:93,927,252, T duplicated on the plus strand (A on the coding strand, the reverse complement: PROS1 is on the minus strand); the first of 3 consecutive T bases (chr3:93,927,252-93,927,254); duplicating any one gives the same sequence. VCF-style (leftmost placement, unchanged base first): chr3-93927251-G-GT. GRCh37 (hg19) VCF-style: chr3-93646095-G-GT.
Other names: c.328dup, p.Thr110fs (NM_001314077.2); short protein forms T78fs, T110fs.
Identifiers: ClinVar variation 3668876 (VCV003668876.2).